The following is an entry in ClinVar:

NM_018847.4(KLHL9):c.204T>C (p.Ala68=)

Gene: KLHL9 (kelch like family member 9; minus strand). Cytogenetic location: 9p21.3.
Variant type: single nucleotide variant.
Coding change: c.204T>C on transcript NM_018847.4 (MANE Select); coding-DNA position 204, T replaced by C.
Protein change: p.Ala68=; no amino-acid change (alanine 68 retained).
Molecular consequence: synonymous variant.
Genome position (GRCh38, 1-based): chr9:21,334,656, A>G on the plus strand (T>C on the coding strand, the complement: KLHL9 is on the minus strand). VCF-style: chr9-21334656-A-G. GRCh37 (hg19) VCF-style: chr9-21334655-A-G.
Identifiers: ClinVar variation 2001178 (VCV002001178.4), dbSNP rs1820234317, ClinGen allele CA464259918.
Genomic context (GRCh38, chr9:21,334,656, plus strand): 5'-TTGTTCTTTCATTCCACCTGTGAACATGGCTTTGAAATAATCACTAGCAGACGCCATCAT[A>G]GCTCTGTGAACAGGGAAGATTTCATCTCCATCACCTGGTACCAGGGTCACATCACAAAGC-3'
Protein context (NP_061335.1, residues 58-78): DGDEIFPVHR[Ala68=]MMASASDYFK

ClinVar aggregate classification (germline): Uncertain significance (1 of 4 stars; one submission).

gnomAD v4.1: 1 of 1,614,202 alleles (0.000062%); highest among the groups gnomAD compares: Non-Finnish European, 0.000085%; no homozygotes.

Submission:

Labcorp Genetics (formerly Invitae), Labcorp
Classification: Uncertain significance. Last evaluated: 2022-05-30. Review status: criteria provided, single submitter. Criteria: Invitae Variant Classification Sherloc (09022015). Collection method: clinical testing. Allele origin: germline.
Comment: This variant has not been reported in the literature in individuals affected with KLHL9-related conditions. In summary, the available evidence is currently insufficient to determine the role of this variant in disease. Therefore, it has been classified as a Variant of Uncertain Significance. This variant is not present in population databases (gnomAD no frequency). This sequence change affects codon 68 of the KLHL9 mRNA. It is a 'silent' change, meaning that it does not change the encoded amino acid sequence of the KLHL9 protein.